The following is an entry in ClinVar:

ClinVar aggregate classification (germline): Uncertain significance. Review status: criteria provided, multiple submitters, no conflicts (2 of 4 stars). 2 submissions from 2 submitters: Uncertain significance (2). Last evaluated 2022-12-11.

Conditions:
Hereditary breast ovarian cancer syndrome. Also called: Hereditary breast and ovarian cancer syndrome (HBOC); BRCA1- and BRCA2-Associated Hereditary Breast and Ovarian Cancer; Hereditary breast and ovarian cancer syndrome; Breast and ovarian cancer; Hereditary breast and ovarian cancer; Hereditary breast and/or ovarian cancer syndrome. Identifiers: Orphanet 145, MedGen C0677776, MeSH D061325, MONDO:0003582. Disease mechanism: loss of function.
Hereditary cancer-predisposing syndrome. Also called: Hereditary neoplastic syndrome; Neoplastic Syndromes, Hereditary; Tumor predisposition; Hereditary Cancer Syndrome. Identifiers: Orphanet 140162, MedGen C0027672, MeSH D009386, MONDO:0015356.

Submissions (2):

Labcorp Genetics (formerly Invitae), Labcorp
Classification: Uncertain significance for Hereditary breast ovarian cancer syndrome. Last evaluated: 2022-12-11. Review status: criteria provided, single submitter. Criteria: Invitae Variant Classification Sherloc (09022015). Collection method: clinical testing. Allele origin: germline.
Comment: In summary, the available evidence is currently insufficient to determine the role of this variant in disease. Therefore, it has been classified as a Variant of Uncertain Significance. Advanced modeling of protein sequence and biophysical properties (such as structural, functional, and spatial information, amino acid conservation, physicochemical variation, residue mobility, and thermodynamic stability) performed at Invitae indicates that this missense variant is not expected to disrupt BRCA2 protein function. ClinVar contains an entry for this variant (Variation ID: 531286). This variant has not been reported in the literature in individuals affected with BRCA2-related conditions. This variant is not present in population databases (gnomAD no frequency). This sequence change replaces lysine, which is basic and polar, with glutamic acid, which is acidic and polar, at codon 3214 of the BRCA2 protein (p.Lys3214Glu).

Ambry Genetics
Classification: Uncertain significance for Hereditary cancer-predisposing syndrome. Last evaluated: 2022-12-07. Review status: criteria provided, single submitter. Criteria: Ambry Variant Classification Scheme 2023. Collection method: clinical testing. Allele origin: germline.
Comment: The p.K3214E variant (also known as c.9640A>G), located in coding exon 25 of the BRCA2 gene, results from an A to G substitution at nucleotide position 9640. The lysine at codon 3214 is replaced by glutamic acid, an amino acid with similar properties. This alteration was identified in an individual diagnosed with breast cancer (Ahmad J et al. Clin Genet, 2012 Dec;82:594-8). This amino acid position is not well conserved in available vertebrate species. In addition, this alteration is predicted to be tolerated by in silico analysis. Since supporting evidence is limited at this time, the clinical significance of this alteration remains unclear.

Literature cited by the submitters: PubMed 22486713 (cited by Ambry Genetics).

NM_000059.4(BRCA2):c.9640A>G (p.Lys3214Glu)

Gene: BRCA2 (BRCA2 DNA repair associated; plus strand). Cytogenetic location: 13q13.1.
Variant type: single nucleotide variant.
Coding change: c.9640A>G on transcript NM_000059.4 (MANE Select); coding-DNA position 9640, A replaced by G.
Protein change: p.Lys3214Glu; replaces lysine 3214 with glutamic acid.
Molecular consequence: missense variant.
Genome position (GRCh38, 1-based): chr13:32,397,036, A>G. VCF-style: chr13-32397036-A-G. GRCh37 (hg19) VCF-style: chr13-32971173-A-G.
Other names: short protein forms K3214E.
Identifiers: ClinVar variation 531286 (VCV000531286.8), dbSNP rs1555289810, ClinGen allele CA387763798.